The following is an entry in ClinVar:

NM_005450.6(NOG):c.425G>A (p.Arg142Gln)

Gene: NOG (noggin; plus strand). Cytogenetic location: 17q22.
Variant type: single nucleotide variant.
Coding change: c.425G>A on transcript NM_005450.6 (MANE Select); coding-DNA position 425, G replaced by A.
Protein change: p.Arg142Gln; replaces arginine 142 with glutamine.
Molecular consequence: missense variant.
Genome position (GRCh38, 1-based): chr17:56,594,648, G>A. VCF-style: chr17-56594648-G-A. GRCh37 (hg19) VCF-style: chr17-54672009-G-A.
Other names: short protein forms R142Q.
Identifiers: ClinVar variation 2779775 (VCV002779775.3), dbSNP rs369585713, ClinGen allele CA8663205.

ClinVar aggregate classification (germline): Uncertain significance (1 of 4 stars; one submission).

Allele frequency attached by ClinVar (database versions not stated): gnomAD exomes below 0.00001; ExAC 0.00001; TOPMed 0.00001; ESP Exome Variant Server 0.00008.

Submission:

Labcorp Genetics (formerly Invitae), Labcorp
Classification: Uncertain significance. Last evaluated: 2023-11-18. Review status: criteria provided, single submitter. Criteria: Invitae Variant Classification Sherloc (09022015). Collection method: clinical testing. Allele origin: germline.
Comment: This sequence change replaces arginine, which is basic and polar, with glutamine, which is neutral and polar, at codon 142 of the NOG protein (p.Arg142Gln). This variant is present in population databases (rs369585713, gnomAD 0.0009%). This variant has not been reported in the literature in individuals affected with NOG-related conditions. An algorithm developed to predict the effect of missense changes on protein structure and function (PolyPhen-2) suggests that this variant is likely to be disruptive. In summary, the available evidence is currently insufficient to determine the role of this variant in disease. Therefore, it has been classified as a Variant of Uncertain Significance.